The following is an entry in ClinVar:

ClinVar aggregate classification (germline): Uncertain significance (1 of 4 stars; one submission).

Conditions:
Hereditary cancer-predisposing syndrome. Also called: Neoplastic Syndromes, Hereditary; Tumor predisposition; Hereditary Cancer Syndrome; Hereditary neoplastic syndrome. Identifiers: Orphanet 140162, MedGen C0027672, MeSH D009386, MONDO:0015356.

Submission:

Ambry Genetics
Classification: Uncertain significance for Hereditary cancer-predisposing syndrome. Last evaluated: 2026-04-28. Review status: criteria provided, single submitter. Criteria: Ambry Variant Classification Scheme 2023. Collection method: clinical testing. Allele origin: germline.
Comment: The p.N515Y variant (also known as c.1543A>T), located in coding exon 13 of the BAP1 gene, results from an A to T substitution at nucleotide position 1543. The asparagine at codon 515 is replaced by tyrosine, an amino acid with dissimilar properties. This amino acid position is conserved. In addition, this alteration is predicted to be tolerated by in silico analysis. Based on the available evidence, the clinical significance of this variant remains unclear.

NM_004656.4(BAP1):c.1543A>T (p.Asn515Tyr)

Gene: BAP1 (BRCA1 associated deubiquitinase 1; minus strand). Cytogenetic location: 3p21.1.
Variant type: single nucleotide variant.
Coding change: c.1543A>T on transcript NM_004656.4 (MANE Select); coding-DNA position 1543, A replaced by T.
Protein change: p.Asn515Tyr; replaces asparagine 515 with tyrosine.
Molecular consequence: missense variant.
Genome position (GRCh38, 1-based): chr3:52,403,602, T>A on the plus strand (A>T on the coding strand, the complement: BAP1 is on the minus strand). VCF-style: chr3-52403602-T-A. GRCh37 (hg19) VCF-style: chr3-52437618-T-A.
Other names: c.1489A>T, p.Asn497Tyr (NM_001410772.1); short protein forms N497Y, N515Y.
Identifiers: ClinVar variation 4867362 (VCV004867362.1).